The following is an entry in ClinVar:

ClinVar aggregate classification (germline): Uncertain significance (1 of 4 stars; one submission).

Allele frequency attached by ClinVar (database versions not stated): gnomAD exomes 0.00001; TOPMed 0.00001; ExAC 0.00003.
gnomAD v4.1: 14 of 1,612,542 alleles (0.00087%); highest among the groups gnomAD compares: Middle Eastern, 0.017%; no homozygotes.

Submission:

Labcorp Genetics (formerly Invitae), Labcorp
Classification: Uncertain significance. Last evaluated: 2024-10-22. Review status: criteria provided, single submitter. Criteria: Invitae Variant Classification Sherloc (09022015). Collection method: clinical testing. Allele origin: germline.
Comment: This sequence change replaces asparagine, which is neutral and polar, with serine, which is neutral and polar, at codon 283 of the C8A protein (p.Asn283Ser). This variant is present in population databases (rs776043110, gnomAD 0.002%). This variant has not been reported in the literature in individuals affected with C8A-related conditions. ClinVar contains an entry for this variant (Variation ID: 2139861). An algorithm developed to predict the effect of missense changes on protein structure and function (PolyPhen-2) suggests that this variant is likely to be tolerated. In summary, the available evidence is currently insufficient to determine the role of this variant in disease. Therefore, it has been classified as a Variant of Uncertain Significance.

NM_000562.3(C8A):c.848A>G (p.Asn283Ser)

Gene: C8A (complement C8 alpha chain; plus strand). Cytogenetic location: 1p32.2.
Variant type: single nucleotide variant.
Coding change: c.848A>G on transcript NM_000562.3 (MANE Select); coding-DNA position 848, A replaced by G.
Protein change: p.Asn283Ser; replaces asparagine 283 with serine.
Molecular consequence: missense variant.
Genome position (GRCh38, 1-based): chr1:56,883,674, A>G. VCF-style: chr1-56883674-A-G. GRCh37 (hg19) VCF-style: chr1-57349347-A-G.
Other names: short protein forms N283S.
Identifiers: ClinVar variation 2139861 (VCV002139861.3), dbSNP rs776043110, ClinGen allele CA875172.
Genomic context (GRCh38, chr1:56,883,674, plus strand): 5'-TGGGTGTAGGTGTATCCCACTCACAAGACACTTCATTCTTGAACGAATTAAACAAGTATA[A>G]TGAGAAGGTATTCAAACATAATGTCTGTGTCTCACAGTATTCCATAATATACACTGAACA-3'
Protein context (NP_000553.1, residues 273-293): TSFLNELNKY[Asn283Ser]EKKFIFTRIF